The following is an entry in ClinVar:

ClinVar aggregate classification (germline): Uncertain significance (1 of 4 stars; one submission).

Conditions:
Aicardi-Goutieres syndrome 5. Identifiers: Orphanet 51, MedGen C2749659, MONDO:0013059, OMIM 612952.

Submission:

Labcorp Genetics (formerly Invitae), Labcorp
Classification: Uncertain significance for Aicardi-Goutieres syndrome 5. Last evaluated: 2022-10-06. Review status: criteria provided, single submitter. Criteria: Invitae Variant Classification Sherloc (09022015). Collection method: clinical testing. Allele origin: germline.
Comment: ClinVar contains an entry for this variant (Variation ID: 1469098). Advanced modeling of protein sequence and biophysical properties (such as structural, functional, and spatial information, amino acid conservation, physicochemical variation, residue mobility, and thermodynamic stability) performed at Invitae indicates that this missense variant is expected to disrupt SAMHD1 protein function. In summary, the available evidence is currently insufficient to determine the role of this variant in disease. Therefore, it has been classified as a Variant of Uncertain Significance. This variant has not been reported in the literature in individuals affected with SAMHD1-related conditions. This sequence change replaces phenylalanine, which is neutral and non-polar, with serine, which is neutral and polar, at codon 217 of the SAMHD1 protein (p.Phe217Ser). This variant is not present in population databases (gnomAD no frequency).

NM_015474.4(SAMHD1):c.650T>C (p.Phe217Ser)

Gene: SAMHD1 (SAM and HD domain containing deoxynucleoside triphosphate triphosphohydrolase 1; minus strand). Cytogenetic location: 20q11.23.
Variant type: single nucleotide variant.
Coding change: c.650T>C on transcript NM_015474.4 (MANE Select); coding-DNA position 650, T replaced by C.
Protein change: p.Phe217Ser; replaces phenylalanine 217 with serine.
Molecular consequence: missense variant.
Genome position (GRCh38, 1-based): chr20:36,927,228, A>G on the plus strand (T>C on the coding strand, the complement: SAMHD1 is on the minus strand). VCF-style: chr20-36927228-A-G. GRCh37 (hg19) VCF-style: chr20-35555631-A-G.
Other names: c.650T>C, p.Phe217Ser (NM_001363729.2, NM_001363733.2); short protein forms F217S.
Identifiers: ClinVar variation 1469098 (VCV001469098.8), dbSNP rs2146127793, ClinGen allele CA408821626.